The following is an entry in ClinVar:

NM_000414.4(HSD17B4):c.298G>A (p.Ala100Thr)

Gene: HSD17B4 (hydroxysteroid 17-beta dehydrogenase 4; plus strand). Cytogenetic location: 5q23.1.
Variant type: single nucleotide variant.
Coding change: c.298G>A on transcript NM_000414.4 (MANE Select); coding-DNA position 298, G replaced by A.
Protein change: p.Ala100Thr; replaces alanine 100 with threonine.
Molecular consequence: missense variant. On other transcripts: 5 prime UTR variant (5), non-coding transcript variant (2).
Genome position (GRCh38, 1-based): chr5:119,475,723, G>A. VCF-style: chr5-119475723-G-A. GRCh37 (hg19) VCF-style: chr5-118811418-G-A.
Other names: c.373G>A, p.Ala125Thr (NM_001199291.3); c.244G>A, p.Ala82Thr (NM_001199292.2); c.226G>A, p.Ala76Thr (NM_001292027.2); c.-114G>A (NM_001292028.2, NM_001374501.1, NM_001374502.1 and 1 more transcripts); c.298G>A, p.Ala100Thr (NM_001374497.1, NM_001374498.1); c.18G>A, p.Met6Ile (NM_001374499.1); c.-241G>A (NM_001374500.1); short protein forms A100T, A125T, A76T, A82T, M6I.
Identifiers: ClinVar variation 3753862 (VCV003753862.2).

ClinVar aggregate classification (germline): Uncertain significance (1 of 4 stars; one submission).

Conditions:
Perrault syndrome. Also called: Gonadal dysgenesis with auditory dysfunction, autosomal recessive inheritance. Identifiers: Orphanet 2855, MedGen C0685838, MONDO:0017312.
Bifunctional peroxisomal enzyme deficiency (DBIF). Also called: DBP DEFICIENCY; PBFE DEFICIENCY; D-bifunctional protein deficiency. Identifiers: Orphanet 300, MedGen C0342870, MONDO:0009855, OMIM 261515. Disease mechanism: loss of function.

gnomAD v4.1: 1 of 1,597,902 alleles (0.000063%); highest among the groups gnomAD compares: Non-Finnish European, 0.000086%; no homozygotes.

Submission:

Labcorp Genetics (formerly Invitae), Labcorp
Classification: Uncertain significance for Perrault syndrome; Bifunctional peroxisomal enzyme deficiency. Last evaluated: 2024-05-20. Review status: criteria provided, single submitter. Criteria: Invitae Variant Classification Sherloc (09022015). Collection method: clinical testing. Allele origin: germline.
Comment: This sequence change replaces alanine, which is neutral and non-polar, with threonine, which is neutral and polar, at codon 100 of the HSD17B4 protein (p.Ala100Thr). This variant is not present in population databases (gnomAD no frequency). This variant has not been reported in the literature in individuals affected with HSD17B4-related conditions. Advanced modeling of protein sequence and biophysical properties (such as structural, functional, and spatial information, amino acid conservation, physicochemical variation, residue mobility, and thermodynamic stability) performed at Invitae indicates that this missense variant is expected to disrupt HSD17B4 protein function with a positive predictive value of 95%. In summary, the available evidence is currently insufficient to determine the role of this variant in disease. Therefore, it has been classified as a Variant of Uncertain Significance.